The following is an entry in ClinVar:

ClinVar aggregate classification (germline): Pathogenic (0 of 4 stars; one submission).

Conditions:
Fanconi anemia complementation group A (FANCA). Also called: Fanconi anemia, group A; FANCA-Related Fanconi Anemia. Identifiers: Orphanet 84, MedGen C3469521, MONDO:0009215, OMIM 227650.

Submission:

Leiden Open Variation Database
Classification: Pathogenic for Fanconi anemia complementation group A. Last evaluated: 2020-02-28. Review status: no assertion criteria provided. Collection method: curation. Allele origin: germline. Affected: yes.
Comment: Curator: Arleen D. Auerbach. Submitter to LOVD: Arleen D. Auerbach.

Literature cited by the submitters: PubMed 25168418.

NM_000135.4(FANCA):c.596+548_793-219del

Gene: FANCA (FA complementation group A; minus strand). Cytogenetic location: 16q24.3.
Variant type: Deletion.
Coding change: c.596+548_793-219del on transcript NM_000135.4 (MANE Select); 548 bases into the intron after coding-DNA position 596 through 219 bases into the intron before coding-DNA position 793, 7,890 bases deleted.
Molecular consequence: splice acceptor variant, splice donor variant.
Genome position (GRCh38, 1-based): chr16:89,799,857-89,807,746, 7,890 bases deleted. GRCh37 (hg19): chr16:89,866,277-89,874,166.
Other names: c.596+548_793-219del (NM_001018112.3, NM_001286167.3); c.500+548_697-219del (NM_001351830.2).
Identifiers: ClinVar variation 974287 (VCV000974287.1), ClinGen allele CA1139664976.